The following is an entry in ClinVar:

ClinVar aggregate classification (germline): Conflicting classifications of pathogenicity. Review status: criteria provided, conflicting classifications (1 of 4 stars). 3 submissions from 3 submitters: Pathogenic (1); Likely pathogenic (1); Uncertain significance (1). Last evaluated 2026-03-23.

Conditions:
Neurodevelopmental disorder with hypotonia and cerebellar atrophy, with or without seizures. Also called: GLYCOSYLPHOSPHATIDYLINOSITOL BIOSYNTHESIS DEFECT 22. Identifiers: MedGen C5394372, MONDO:0030037, OMIM 618879.

Allele frequency attached by ClinVar (database versions not stated): TOPMed below 0.00001; gnomAD 0.00001.
gnomAD v4.1: 17 of 1,608,740 alleles (0.0011%); highest among the groups gnomAD compares: East Asian, 0.0022%; no homozygotes.

Submissions (3):

Stanford Starfish Project, Stanford University
Classification: Pathogenic for Neurodevelopmental disorder with hypotonia and cerebellar atrophy, with or without seizures. Last evaluated: 2026-03-23. Review status: criteria provided, single submitter. Criteria: ACMG Guidelines, 2015. Collection method: provider interpretation. Allele origin: biparental. Inheritance: Autosomal recessive inheritance. Affected: yes. Observed: 1 variant allele, 1 homozygote.
Comment: This variant is predicted to result in the substitution of alanine by valine at amino acid 184 (p.Ala184Val). This variant is rare in large population databases with an allele frequency of 0.00002241 in East Asian populations. In silico analysis supports that this missense variant has a deleterious effect on the protein. See Observation 1 for details on clinical features.

3billion
Classification: Likely pathogenic for Neurodevelopmental disorder with hypotonia and cerebellar atrophy, with or without seizures. Last evaluated: 2025-09-02. Review status: criteria provided, single submitter. Criteria: ACMG Guidelines, 2015. Collection method: clinical testing. Allele origin: germline. Affected: yes.
Comment: The variant is observed at an extremely low frequency in the gnomAD v4.1.0 dataset (total allele frequency: 0.001%). Predicted Consequence/Location: Missense variant Functional studies provide strong evidence of the variant having a damaging effect on the gene or gene product (PMID: 32220290). The same nucleotide change resulting in the same amino acid change has been previously reported to be associated with PIGK-related disorder (PMID: 32220290). Therefore, this variant is classified as Likely pathogenic according to the recommendation of ACMG/AMP guideline.

GeneDx
Classification: Uncertain significance. Last evaluated: 2022-08-31. Review status: criteria provided, single submitter. Criteria: GeneDx Variant Classification Process June 2021. Collection method: clinical testing. Allele origin: germline. Affected: yes.
Comment: Not observed at significant frequency in large population cohorts (gnomAD); In silico analysis supports that this missense variant has a deleterious effect on protein structure/function; This variant is associated with the following publications: (PMID: 32220290, 35551457)

Literature cited by the submitters: PubMed 32220290 (cited by 3billion).

NM_005482.3(PIGK):c.551C>T (p.Ala184Val)

Gene: PIGK (phosphatidylinositol glycan anchor biosynthesis class K; minus strand). Cytogenetic location: 1p31.1.
Variant type: single nucleotide variant.
Coding change: c.551C>T on transcript NM_005482.3 (MANE Select); coding-DNA position 551, C replaced by T.
Protein change: p.Ala184Val; replaces alanine 184 with valine.
Molecular consequence: missense variant.
Genome position (GRCh38, 1-based): chr1:77,163,879, G>A on the plus strand (C>T on the coding strand, the complement: PIGK is on the minus strand). VCF-style: chr1-77163879-G-A. GRCh37 (hg19) VCF-style: chr1-77629564-G-A.
Other names: short protein forms A184V.
Identifiers: ClinVar variation 1305272 (VCV001305272.5), dbSNP rs780683566, ClinGen allele CA340861601.